The following is an entry in ClinVar:

ClinVar aggregate classification (germline): Benign. Review status: criteria provided, multiple submitters, no conflicts (2 of 4 stars). 21 submissions from 19 submitters: Benign (16). 5 of the submissions do not count toward it. Last evaluated 2026-02-04.

Conditions:
FKRP-related disorder. Also called: FKRP-related condition.
Dystrophin deficiency.
Walker-Warburg congenital muscular dystrophy. Also called: Muscular dystrophy-dystroglycanopathy, type A; Walker-Warburg syndrome. Identifiers: Orphanet 899, MedGen C0265221, MONDO:0000171.
Cardiovascular phenotype. Identifiers: MedGen CN230736.
Muscular dystrophy-dystroglycanopathy type B5 (MDDGB5). Also called: MUSCULAR DYSTROPHY, CONGENITAL, 1C; MUSCULAR DYSTROPHY, CONGENITAL, FKRP-RELATED; MUSCULAR DYSTROPHY-DYSTROGLYCANOPATHY (CONGENITAL WITH OR WITHOUT IMPAIRED INTELLECTUAL DEVELOPMENT), TYPE B, 5. Identifiers: MedGen C1847759, MONDO:0011688, OMIM 606612.
Muscular dystrophy-dystroglycanopathy (congenital with brain and eye anomalies), type A5. Also called: WALKER-WARBURG SYNDROME OR MUSCLE-EYE-BRAIN DISEASE, FKRP-RELATED; MUSCULAR DYSTROPHY-DYSTROGLYCANOPATHY (CONGENITAL WITH BRAIN AND EYE ANOMALIES), TYPE A, 5. Identifiers: Orphanet 588, Orphanet 899, MedGen C3150413, MONDO:0013157, OMIM 613153.
Autosomal recessive limb-girdle muscular dystrophy type 2I. Also called: MUSCULAR DYSTROPHY-DYSTROGLYCANOPATHY, LIMB-GIRDLE, FRKP-RELATED; MUSCULAR DYSTROPHY, LIMB-GIRDLE, TYPE 2I; MUSCULAR DYSTROPHY-DYSTROGLYCANOPATHY (LIMB-GIRDLE), TYPE C, 5. Identifiers: Orphanet 34515, MedGen C1846672, MONDO:0011787, OMIM 607155.

Allele frequency attached by ClinVar (database versions not stated): gnomAD 0.14031 and 0.14191; ESP Exome Variant Server 0.14188; gnomAD exomes 0.14228; TOPMed 0.14270; 1000 Genomes Project 0.15016; 1000 Genomes Project 30x 0.15209; ExAC 0.17007.

Submissions (21):

Labcorp Genetics (formerly Invitae), Labcorp
Classification: Benign for Walker-Warburg congenital muscular dystrophy. Last evaluated: 2026-02-04. Review status: criteria provided, single submitter. Criteria: Invitae Variant Classification Sherloc (09022015). Collection method: clinical testing. Allele origin: germline.

Molecular Diagnostic Laboratory for Inherited Cardiovascular Disease, Montreal Heart Institute
Classification: Benign. Last evaluated: 2025-04-09. Review status: criteria provided, single submitter. Criteria: ACMG Guidelines, 2015. Collection method: clinical testing. Allele origin: germline. Affected: no.

Blueprint Genetics
Classification: Benign. Last evaluated: 2024-11-28. Review status: criteria provided, single submitter. Criteria: ACMG Guidelines, 2015. Collection method: clinical testing. Allele origin: germline.

PreventionGenetics, part of Exact Sciences
Classification: Benign for FKRP-related condition. Last evaluated: 2024-10-02. Review status: criteria provided, single submitter. Criteria: ACMG Guidelines, 2015. Collection method: clinical testing. Allele origin: germline.
Comment: This variant is classified as benign based on ACMG/AMP sequence variant interpretation guidelines (Richards et al. 2015 PMID: 25741868, with internal and published modifications).

Women's Health and Genetics/Laboratory Corporation of America, LabCorp
Classification: Benign. Last evaluated: 2023-04-04. Review status: criteria provided, single submitter. Criteria: LabCorp Variant Classification Summary - May 2015. Collection method: clinical testing. Allele origin: germline.

Mayo Clinic Laboratories, Mayo Clinic
Classification: Benign. Last evaluated: 2022-04-26. Review status: criteria provided, single submitter. Criteria: ACMG Guidelines, 2015. Collection method: clinical testing. Allele origin: germline. Observed: 620 variant alleles.

Genome-Nilou Lab
Classification: Benign for Muscular dystrophy-dystroglycanopathy (congenital with brain and eye anomalies), type A5. Last evaluated: 2021-06-10. Review status: criteria provided, single submitter. Criteria: ACMG Guidelines, 2015. Collection method: clinical testing. Allele origin: germline. Affected: no.

Genome-Nilou Lab
Classification: Benign for Muscular dystrophy-dystroglycanopathy type B5. Last evaluated: 2021-06-10. Review status: criteria provided, single submitter. Criteria: ACMG Guidelines, 2015. Collection method: clinical testing. Allele origin: germline. Affected: no.

Genome-Nilou Lab
Classification: Benign for Autosomal recessive limb-girdle muscular dystrophy type 2I. Last evaluated: 2021-06-10. Review status: criteria provided, single submitter. Criteria: ACMG Guidelines, 2015. Collection method: clinical testing. Allele origin: germline. Affected: no.

Ambry Genetics
Classification: Benign for Cardiovascular phenotype. Last evaluated: 2018-12-21. Review status: criteria provided, single submitter. Criteria: Ambry Variant Classification Scheme 2023. Collection method: clinical testing. Allele origin: germline.

Phosphorus, Inc.
Classification: Benign for Autosomal recessive limb-girdle muscular dystrophy type 2I. Last evaluated: 2017-08-01. Review status: criteria provided, single submitter. Criteria: ACMG Guidelines, 2015. Collection method: clinical testing. Allele origin: germline. Observed: 5 variant alleles.

Athena Diagnostics
Classification: Benign. Last evaluated: 2017-04-28. Review status: criteria provided, single submitter. Criteria: Athena Diagnostics Criteria. Collection method: clinical testing. Allele origin: germline.

Laboratory for Molecular Medicine, Mass General Brigham Personalized Medicine
Classification: Benign. Last evaluated: 2015-01-13. Review status: criteria provided, single submitter. Criteria: LMM Criteria. Collection method: clinical testing. Allele origin: germline. Observed: 5 variant alleles.
Comment: p.Ala45Ala in exon 4 of FKRP: This variant is not expected to have clinical sign ificance because it does not alter an amino acid residue and is not located with in the splice consensus sequence. It has been identified in 14.2% (625/4398) of African American chromosomes from a broad population by the NHLBI Exome Sequenci ng Project (dbSNP rs2287717).

GeneDx
Classification: Benign. Last evaluated: 2013-10-31. Review status: criteria provided, single submitter. Criteria: GeneDx Variant Classification (06012015). Collection method: clinical testing. Allele origin: germline. Affected: yes.
Comment: This variant is considered likely benign or benign based on one or more of the following criteria: it is a conservative change, it occurs at a poorly conserved position in the protein, it is predicted to be benign by multiple in silico algorithms, and/or has population frequency not consistent with disease.

Eurofins Ntd Llc (ga)
Classification: Benign. Last evaluated: 2013-10-11. Review status: criteria provided, single submitter. Criteria: EGL Classification Definitions 2015. Collection method: clinical testing. Allele origin: germline. Observed: 59 variant alleles, 48 heterozygotes, 11 homozygotes.

Breakthrough Genomics
Classification: Benign. Review status: criteria provided, single submitter. Criteria: ACMG Guidelines, 2015. Collection method: not provided. Allele origin: germline. Inheritance: Autosomal recessive inheritance. Affected: yes.

Natera, Inc.
Classification: Benign for Dystrophin deficiency. Last evaluated: 2020-09-16. Review status: no assertion criteria provided. Collection method: clinical testing. Allele origin: germline. Not counted in ClinVar's aggregate classification.

Clinical Genetics DNA and cytogenetics Diagnostics Lab, Erasmus MC, Erasmus Medical Center
Classification: Benign. Review status: no assertion criteria provided. Collection method: clinical testing. Allele origin: germline. Affected: yes. Study: VKGL Data-share Consensus. Not counted in ClinVar's aggregate classification.

Clinical Genetics, Academic Medical Center
Classification: Benign. Review status: no assertion criteria provided. Collection method: clinical testing. Allele origin: germline. Affected: yes. Study: VKGL Data-share Consensus. Not counted in ClinVar's aggregate classification.

Genetic Services Laboratory, University of Chicago
Classification: Likely benign for AllHighlyPenetrant. Review status: no assertion criteria provided. Collection method: clinical testing. Allele origin: germline. Inheritance: Autosomal recessive inheritance. Not counted in ClinVar's aggregate classification.
Comment: Likely benign based on allele frequency in 1000 Genomes Project or ESP global frequency and its presence in a patient with a rare or unrelated disease phenotype. NOT Sanger confirmed.

Joint Genome Diagnostic Labs from Nijmegen and Maastricht, Radboudumc and MUMC+
Classification: Benign. Review status: no assertion criteria provided. Collection method: clinical testing. Allele origin: germline. Affected: yes. Study: VKGL Data-share Consensus. Not counted in ClinVar's aggregate classification.

Literature cited by the submitters: PubMed 16344347 (cited by Phosphorus, Inc.); PubMed 19244252 (cited by Phosphorus, Inc.); PubMed 23757202 (cited by Phosphorus, Inc.).

NM_024301.5(FKRP):c.135C>T (p.Ala45=)

Gene: FKRP (fukutin related protein; plus strand). Cytogenetic location: 19q13.32.
Variant type: single nucleotide variant.
Coding change: c.135C>T on transcript NM_024301.5 (MANE Select); coding-DNA position 135, C replaced by T.
Protein change: p.Ala45=; no amino-acid change (alanine 45 retained).
Molecular consequence: synonymous variant.
Genome position (GRCh38, 1-based): chr19:46,755,585, C>T. VCF-style: chr19-46755585-C-T. GRCh37 (hg19) VCF-style: chr19-47258842-C-T.
Other names: p.A45A:GCC>GCT; p.Ala45=; c.135C>T, p.Ala45= (NM_001039885.3).
Identifiers: ClinVar variation 96105 (VCV000096105.39), dbSNP rs2287717, ClinGen allele CA285758.